The following is an entry in ClinVar:

ClinVar aggregate classification (germline): Uncertain significance. Review status: criteria provided, multiple submitters, no conflicts (2 of 4 stars). 2 submissions from 2 submitters: Uncertain significance (2). Last evaluated 2026-01-10.

Conditions:
Hereditary cancer-predisposing syndrome. Also called: Neoplastic Syndromes, Hereditary; Hereditary Cancer Syndrome; Hereditary neoplastic syndrome; Tumor predisposition. Identifiers: Orphanet 140162, MedGen C0027672, MeSH D009386, MONDO:0015356.
Tuberous sclerosis 2 (TSC2). Identifiers: Orphanet 805, MedGen C1860707, MONDO:0013199, OMIM 613254.

Submissions (2):

Labcorp Genetics (formerly Invitae), Labcorp
Classification: Uncertain significance for Tuberous sclerosis 2. Last evaluated: 2026-01-10. Review status: criteria provided, single submitter. Criteria: Invitae Variant Classification Sherloc (09022015). Collection method: clinical testing. Allele origin: germline.
Comment: This sequence change replaces valine, which is neutral and non-polar, with methionine, which is neutral and non-polar, at codon 1800 of the TSC2 protein (p.Val1800Met). Information on the frequency of this variant in the gnomAD database is not available, as this variant may be reported differently in the database. This variant has not been reported in the literature in individuals affected with TSC2-related conditions. ClinVar contains an entry for this variant (Variation ID: 848518). Experimental studies and prediction algorithms are not available or were not evaluated, and the functional significance of this variant is currently unknown. In summary, the available evidence is currently insufficient to determine the role of this variant in disease. Therefore, it has been classified as a Variant of Uncertain Significance.

Ambry Genetics
Classification: Uncertain significance for Hereditary cancer-predisposing syndrome. Last evaluated: 2023-09-21. Review status: criteria provided, single submitter. Criteria: Ambry Variant Classification Scheme 2023. Collection method: clinical testing. Allele origin: germline.
Comment: The c.5397_5398delGGinsCA variant (also known as p.V1800M), located in coding exon 41 of the TSC2 gene, results from an in-frame deletion of GG and insertion of CA at nucleotide positions 5397 to 5398. This results in the substitution of the valine residue for a methionine residue at codon 1800, an amino acid with highly similar properties. This amino acid position is highly conserved in available vertebrate species. In addition, this alteration is predicted to be neutral by in silico analysis (Choi Y et al. PLoS ONE. 2012; 7(10):e46688). Since supporting evidence is limited at this time, the clinical significance of this alteration remains unclear.

NM_000548.5(TSC2):c.5397_5398delinsCA (p.Val1800Met)

Gene: TSC2 (TSC complex subunit 2; plus strand). Cytogenetic location: 16p13.3.
Variant type: Indel.
Coding change: c.5397_5398delinsCA on transcript NM_000548.5 (MANE Select); coding-DNA positions 5397 to 5398, GG replaced by CA.
Protein change: p.Val1800Met; replaces valine 1800 with methionine.
Molecular consequence: missense variant.
Genome position (GRCh38, 1-based): chr16:2,088,583-2,088,584, GG replaced by CA. VCF-style: chr16-2088583-GG-CA. GRCh37 (hg19) VCF-style: chr16-2138584-GG-CA.
Other names: c.5196_5197delinsCA, p.Val1733Met (NM_001077183.3); c.5328_5329delinsCA, p.Val1777Met (NM_001114382.3); c.5088_5089delinsCA, p.Val1697Met (NM_001318827.2); c.5052_5053delinsCA, p.Val1685Met (NM_001318829.2); c.4665_4666delinsCA, p.Val1556Met (NM_001318831.2); c.5229_5230delinsCA, p.Val1744Met (NM_001318832.2); c.5199_5200delinsCA, p.Val1734Met (NM_001363528.2); c.5265_5266delinsCA, p.Val1756Met (NM_001370404.1); and 3 more; short protein forms V1777M, V1697M, V1757M, V1800M, V1734M, V1753M, V1756M, V1556M.
Identifiers: ClinVar variation 848518 (VCV000848518.8), dbSNP rs2091217432, ClinGen allele CA916081768.